The following is an entry in ClinVar:

ClinVar aggregate classification (germline): Uncertain significance (1 of 4 stars; one submission).

Conditions:
Neurofibromatosis, type 2 (SWNV). Also called: SCHWANNOMATOSIS, VESTIBULAR; BILATERAL ACOUSTIC NEUROFIBROMATOSIS; NF2-Related Schwannomatosis. Identifiers: Orphanet 637, MedGen C0027832, MONDO:0007039, OMIM 101000. Disease mechanism: loss of function.

Submission:

Labcorp Genetics (formerly Invitae), Labcorp
Classification: Uncertain significance for Neurofibromatosis, type 2. Last evaluated: 2023-09-21. Review status: criteria provided, single submitter. Criteria: Invitae Variant Classification Sherloc (09022015). Collection method: clinical testing. Allele origin: unknown.
Comment: This variant results in a copy number gain of the genomic region encompassing exon(s) 1-14 of the NF2 gene. This region includes the initiator codon of the gene. This copy number gain extends beyond the assayed region for this gene and therefore may encompass additional genes. As the precise location of this event is unknown, it may be in tandem or it may be located elsewhere in the genome. This variant has not been reported in the literature in individuals affected with NF2-related conditions. In summary, the available evidence is currently insufficient to determine the role of this variant in disease. Therefore, it has been classified as a Variant of Uncertain Significance.

NC_000022.10:g.(?_29999988)_(30074322_?)dup

Gene: NF2 (NF2, moesin-ezrin-radixin like (MERLIN) tumor suppressor; plus strand). Cytogenetic location: 22q12.2.
Variant type: Duplication.
Identifiers: ClinVar variation 3247182 (VCV003247182.1).